The following is an entry in ClinVar:

NM_173354.5(SIK1):c.1842G>C (p.Gln614His)

Gene: SIK1 (salt inducible kinase 1; minus strand). Cytogenetic location: 21q22.3.
Variant type: single nucleotide variant.
Coding change: c.1842G>C on transcript NM_173354.5 (MANE Select); coding-DNA position 1842, G replaced by C.
Protein change: p.Gln614His; replaces glutamine 614 with histidine.
Molecular consequence: missense variant.
Genome position (GRCh38, 1-based): chr21:43,417,677, C>G on the plus strand (G>C on the coding strand, the complement: SIK1 is on the minus strand). VCF-style: chr21-43417677-C-G. GRCh37 (hg19) VCF-style: chr21-44837557-C-G.
Other names: short protein forms Q614H.
Identifiers: ClinVar variation 1053425 (VCV001053425.14), dbSNP rs2146468902, ClinGen allele CA410607182.

ClinVar aggregate classification (germline): Conflicting classifications of pathogenicity. Review status: criteria provided, conflicting classifications (1 of 4 stars). 2 submissions from 2 submitters: Uncertain significance (1); Likely benign (1). Last evaluated 2026-04-01.

Conditions:
Developmental and epileptic encephalopathy, 30 (DEE30). Also called: Epileptic encephalopathy, early infantile, 30. Identifiers: MedGen C4225360, MONDO:0014595, OMIM 616341.

Submissions (2):

CeGaT Center for Human Genetics Tuebingen
Classification: Likely benign. Last evaluated: 2026-04-01. Review status: criteria provided, single submitter. Criteria: CeGaT Center For Human Genetics Tuebingen Variant Classification Criteria Version 2. Collection method: clinical testing. Allele origin: germline. Affected: yes. Observed: 1 variant allele.
Comment: SIK1: BP4, BS2

Labcorp Genetics (formerly Invitae), Labcorp
Classification: Uncertain significance for Developmental and epileptic encephalopathy, 30. Last evaluated: 2024-02-24. Review status: criteria provided, single submitter. Criteria: Invitae Variant Classification Sherloc (09022015). Collection method: clinical testing. Allele origin: germline.
Comment: This sequence change replaces glutamine, which is neutral and polar, with histidine, which is basic and polar, at codon 614 of the SIK1 protein (p.Gln614His). This variant is not present in population databases (gnomAD no frequency). This variant has not been reported in the literature in individuals affected with SIK1-related conditions. ClinVar contains an entry for this variant (Variation ID: 1053425). Advanced modeling of protein sequence and biophysical properties (such as structural, functional, and spatial information, amino acid conservation, physicochemical variation, residue mobility, and thermodynamic stability) performed at Invitae indicates that this missense variant is not expected to disrupt SIK1 protein function with a negative predictive value of 95%. In summary, the available evidence is currently insufficient to determine the role of this variant in disease. Therefore, it has been classified as a Variant of Uncertain Significance.